The following is an entry in ClinVar:

NM_000384.3(APOB):c.3214G>C (p.Asp1072His)

Gene: APOB (apolipoprotein B; minus strand). Cytogenetic location: 2p24.1.
Variant type: single nucleotide variant.
Coding change: c.3214G>C on transcript NM_000384.3 (MANE Select); coding-DNA position 3214, G replaced by C.
Protein change: p.Asp1072His; replaces aspartic acid 1072 with histidine.
Molecular consequence: missense variant.
Genome position (GRCh38, 1-based): chr2:21,016,557, C>G on the plus strand (G>C on the coding strand, the complement: APOB is on the minus strand). VCF-style: chr2-21016557-C-G. GRCh37 (hg19) VCF-style: chr2-21239429-C-G.
Other names: short protein forms D1072H.
Identifiers: ClinVar variation 1728975 (VCV001728975.5), dbSNP rs988000376, ClinGen allele CA346009576.

ClinVar aggregate classification (germline): Uncertain significance. Review status: criteria provided, multiple submitters, no conflicts (2 of 4 stars). 2 submissions from 2 submitters: Uncertain significance (2). Last evaluated 2023-03-16.

Conditions:
Familial hypobetalipoproteinemia 1. Also called: APOB-Related Familial Hypobetalipoproteinemia; Hypobetalipoproteinemia, normotriglyceridemic; Acanthocytosis with hypobetalipoproteinemia. Identifiers: MedGen C4551990, MONDO:0014252, OMIM 615558.
Hypercholesterolemia, autosomal dominant, type B (FHCL2). Also called: Hyperlipoproteinemia Type IIb; Familial hypercholesterolemia 2; Familial Hypercholesterolemia Type B; APOLIPOPROTEIN B-100, FAMILIAL DEFECTIVE; APOLIPOPROTEIN B-100, FAMILIAL LIGAND-DEFECTIVE; HYPERCHOLESTEROLEMIA, FAMILIAL, DUE TO LIGAND-DEFECTIVE APOLIPOPROTEIN B. Identifiers: MedGen C1704417, MONDO:0007751, OMIM 144010.
Cardiovascular phenotype. Identifiers: MedGen CN230736.

Submissions (2):

Labcorp Genetics (formerly Invitae), Labcorp
Classification: Uncertain significance for Familial hypobetalipoproteinemia 1; Hypercholesterolemia, autosomal dominant, type B. Last evaluated: 2023-03-16. Review status: criteria provided, single submitter. Criteria: Invitae Variant Classification Sherloc (09022015). Collection method: clinical testing. Allele origin: germline.
Comment: In summary, the available evidence is currently insufficient to determine the role of this variant in disease. Therefore, it has been classified as a Variant of Uncertain Significance. Advanced modeling of protein sequence and biophysical properties (such as structural, functional, and spatial information, amino acid conservation, physicochemical variation, residue mobility, and thermodynamic stability) performed at Invitae indicates that this missense variant is not expected to disrupt APOB protein function. ClinVar contains an entry for this variant (Variation ID: 1728975). This variant has not been reported in the literature in individuals affected with APOB-related conditions. This variant is not present in population databases (gnomAD no frequency). This sequence change replaces aspartic acid, which is acidic and polar, with histidine, which is basic and polar, at codon 1072 of the APOB protein (p.Asp1072His).

Ambry Genetics
Classification: Uncertain significance for Cardiovascular phenotype. Last evaluated: 2021-12-13. Review status: criteria provided, single submitter. Criteria: Ambry Variant Classification Scheme 2023. Collection method: clinical testing. Allele origin: germline.
Comment: The p.D1072H variant (also known as c.3214G>C), located in coding exon 21 of the APOB gene, results from a G to C substitution at nucleotide position 3214. The aspartic acid at codon 1072 is replaced by histidine, an amino acid with similar properties. This amino acid position is conserved. In addition, this alteration is predicted to be tolerated by in silico analysis. Since supporting evidence is limited at this time, the clinical significance of this alteration remains unclear.